The following is an entry in ClinVar:

NM_144687.4(NLRP12):c.956C>G (p.Pro319Arg)

Gene: NLRP12 (NLR family pyrin domain containing 12; minus strand). Cytogenetic location: 19q13.42.
Variant type: single nucleotide variant.
Coding change: c.956C>G on transcript NM_144687.4 (MANE Select); coding-DNA position 956, C replaced by G.
Protein change: p.Pro319Arg; replaces proline 319 with arginine.
Molecular consequence: missense variant.
Genome position (GRCh38, 1-based): chr19:53,810,703, G>C on the plus strand (C>G on the coding strand, the complement: NLRP12 is on the minus strand). VCF-style: chr19-53810703-G-C. GRCh37 (hg19) VCF-style: chr19-54313957-G-C.
Other names: p.Pro319Arg; c.956C>G, p.Pro319Arg (NM_001277126.2, NM_001277129.1); short protein forms P319R.
Identifiers: ClinVar variation 330035 (VCV000330035.32), dbSNP rs35401786, ClinGen allele CA9639561.

ClinVar aggregate classification (germline): Benign/Likely benign. Review status: criteria provided, multiple submitters, no conflicts (2 of 4 stars). 9 submissions from 9 submitters: Benign (4); Likely benign (3). 2 of the submissions do not count toward it. Last evaluated 2026-01-28.

Conditions:
Autoinflammatory syndrome. Identifiers: Orphanet 93665, MedGen C3890737, MONDO:0019751.
Familial cold autoinflammatory syndrome 2 (FCAS2). Identifiers: Orphanet 247868, MedGen C2673198, MONDO:0012724, OMIM 611762.

Allele frequency attached by ClinVar (database versions not stated): gnomAD 0.00803; 1000 Genomes Project 0.00919; ESP Exome Variant Server 0.00923; 1000 Genomes Project 30x 0.00953; TOPMed 0.00981.
gnomAD v4.1: 2,759 of 1,613,984 alleles (0.17%); highest among the groups gnomAD compares: African/African-American, 2.9%; 37 homozygotes.

Submissions (9):

Labcorp Genetics (formerly Invitae), Labcorp
Classification: Benign for Familial cold autoinflammatory syndrome 2. Last evaluated: 2026-01-28. Review status: criteria provided, single submitter. Criteria: Invitae Variant Classification Sherloc (09022015). Collection method: clinical testing. Allele origin: germline.

Women's Health and Genetics/Laboratory Corporation of America, LabCorp
Classification: Likely benign. Last evaluated: 2026-01-22. Review status: criteria provided, single submitter. Criteria: LabCorp Variant Classification Summary - May 2015. Collection method: clinical testing. Allele origin: germline.

ARUP Laboratories, Molecular Genetics and Genomics, ARUP Laboratories
Classification: Benign for Familial cold autoinflammatory syndrome 2. Last evaluated: 2024-12-23. Review status: criteria provided, single submitter. Criteria: ARUP Molecular Germline Variant Investigation Process 2024. Collection method: clinical testing. Allele origin: germline.

Mayo Clinic Laboratories, Mayo Clinic
Classification: Benign. Last evaluated: 2021-07-29. Review status: criteria provided, single submitter. Criteria: ACMG Guidelines, 2015. Collection method: clinical testing. Allele origin: germline. Observed: 6 variant alleles.
Comment: BS1, BS2

Genome Diagnostics Laboratory, The Hospital for Sick Children
Classification: Likely benign for Autoinflammatory syndrome. Last evaluated: 2021-06-16. Review status: criteria provided, single submitter. Criteria: ACMG Guidelines, 2015. Collection method: clinical testing. Allele origin: germline. Affected: yes.

Illumina Laboratory Services, Illumina
Classification: Benign for Familial cold autoinflammatory syndrome 2. Last evaluated: 2018-01-12. Review status: criteria provided, single submitter. Criteria: ICSL Variant Classification Criteria 13 December 2019. Collection method: clinical testing. Allele origin: germline.
Comment: This variant was observed in the ICSL laboratory as part of a predisposition screen in an ostensibly healthy population. It had not been previously curated by ICSL or reported in the Human Gene Mutation Database (HGMD: prior to June 1st, 2018), and was therefore a candidate for classification through an automated scoring system. Utilizing variant allele frequency, disease prevalence and penetrance estimates, and inheritance mode, an automated score was calculated to assess if this variant is too frequent to cause the disease. Based on the score and internal cut-off values, a variant classified as benign is not then subjected to further curation. The score for this variant resulted in a classification of benign for this disease.

Breakthrough Genomics
Classification: Likely benign. Review status: criteria provided, single submitter. Criteria: ACMG Guidelines, 2015. Collection method: not provided. Allele origin: germline. Inheritance: Autosomal dominant inheritance. Affected: yes.

Clinical Genetics DNA and cytogenetics Diagnostics Lab, Erasmus MC, Erasmus Medical Center
Classification: Benign. Review status: no assertion criteria provided. Collection method: clinical testing. Allele origin: germline. Affected: yes. Study: VKGL Data-share Consensus. Not counted in ClinVar's aggregate classification.

Genome Diagnostics Laboratory, University Medical Center Utrecht
Classification: Benign. Review status: no assertion criteria provided. Collection method: clinical testing. Allele origin: germline. Affected: yes. Study: VKGL Data-share Consensus. Not counted in ClinVar's aggregate classification.